The following is an entry in ClinVar:

ClinVar aggregate classification (germline): Uncertain significance (1 of 4 stars; one submission).

gnomAD v4.1: 2 of 1,551,102 alleles (0.00013%); highest among the groups gnomAD compares: Admixed American, 0.002%; no homozygotes.

Submission:

GeneDx
Classification: Uncertain significance. Last evaluated: 2025-01-28. Review status: criteria provided, single submitter. Criteria: GeneDx Variant Classification Process June 2021. Collection method: clinical testing. Allele origin: germline. Affected: yes.
Comment: Not observed at significant frequency in large population cohorts (gnomAD); In silico analysis indicates that this missense variant does not alter protein structure/function; Has not been previously published as pathogenic or benign to our knowledge

NM_001367479.1(DNAH14):c.4453G>C (p.Val1485Leu)

Gene: DNAH14 (dynein axonemal heavy chain 14; plus strand). Cytogenetic location: 1q42.12.
Variant type: single nucleotide variant.
Coding change: c.4453G>C on transcript NM_001367479.1 (MANE Select); coding-DNA position 4453, G replaced by C.
Protein change: p.Val1485Leu; replaces valine 1485 with leucine.
Molecular consequence: missense variant.
Genome position (GRCh38, 1-based): chr1:225,140,966, G>C. VCF-style: chr1-225140966-G-C. GRCh37 (hg19) VCF-style: chr1-225328668-G-C.
Other names: NM_001373.1:c.4402G>C; short protein forms V1485L.
Identifiers: ClinVar variation 4071836 (VCV004071836.1).